The following is an entry in ClinVar:

ClinVar aggregate classification (germline): Likely benign. Review status: criteria provided, multiple submitters, no conflicts (2 of 4 stars). 3 submissions from 3 submitters: Likely benign (2). 1 of the submissions does not count toward it. Last evaluated 2026-02-01.

Conditions:
TRPC3-related disorder. Also called: TRPC3-related condition.

Allele frequency attached by ClinVar (database versions not stated): ESP Exome Variant Server 0.00031.
gnomAD v4.1: 1,077 of 1,598,114 alleles (0.067%); highest among the groups gnomAD compares: Non-Finnish European, 0.086%; 2 homozygotes.

Submissions (3):

CeGaT Center for Human Genetics Tuebingen
Classification: Likely benign. Last evaluated: 2026-02-01. Review status: criteria provided, single submitter. Criteria: CeGaT Center For Human Genetics Tuebingen Variant Classification Criteria Version 2. Collection method: clinical testing. Allele origin: germline. Affected: yes. Observed: 1 variant allele.
Comment: TRPC3: BP4, BP7

Labcorp Genetics (formerly Invitae), Labcorp
Classification: Likely benign. Last evaluated: 2025-06-20. Review status: criteria provided, single submitter. Criteria: Invitae Variant Classification Sherloc (09022015). Collection method: clinical testing. Allele origin: germline.

PreventionGenetics, part of Exact Sciences
Classification: Likely benign for TRPC3-related condition. Last evaluated: 2019-08-22. Review status: no assertion criteria provided. Collection method: clinical testing. Allele origin: germline. Not counted in ClinVar's aggregate classification.
Comment: This variant is classified as likely benign based on ACMG/AMP sequence variant interpretation guidelines (Richards et al. 2015 PMID: 25741868, with internal and published modifications).

NM_001130698.2(TRPC3):c.2118C>A (p.Ser706=)

Gene: TRPC3 (transient receptor potential cation channel subfamily C member 3; minus strand). Cytogenetic location: 4q27.
Variant type: single nucleotide variant.
Coding change: c.2118C>A on transcript NM_001130698.2 (MANE Select); coding-DNA position 2118, C replaced by A.
Protein change: p.Ser706=; no amino-acid change (serine 706 retained).
Molecular consequence: synonymous variant.
Genome position (GRCh38, 1-based): chr4:121,904,457, G>T on the plus strand (C>A on the coding strand, the complement: TRPC3 is on the minus strand). VCF-style: chr4-121904457-G-T. GRCh37 (hg19) VCF-style: chr4-122825612-G-T.
Other names: c.2118C>A, p.Ser706= (NM_001366479.2); c.1899C>A, p.Ser633= (NM_003305.2); c.2118C>A (NM_001130698.1).
Identifiers: ClinVar variation 2068033 (VCV002068033.10), dbSNP rs112487014, ClinGen allele CA3064823.